The following is an entry in ClinVar:

ClinVar aggregate classification (germline): Uncertain significance. Review status: criteria provided, multiple submitters, no conflicts (2 of 4 stars). 2 submissions from 2 submitters: Uncertain significance (2). Last evaluated 2025-08-14.

Conditions:
Inborn genetic diseases. Identifiers: MedGen C0950123, MeSH D030342.

Allele frequency attached by ClinVar (database versions not stated): gnomAD 0.00001; ExAC 0.00002; TOPMed 0.00003; ESP Exome Variant Server 0.00015.
gnomAD v4.1: 63 of 1,614,008 alleles (0.0039%); highest among the groups gnomAD compares: Non-Finnish European, 0.0053%; no homozygotes.

Submissions (2):

Ambry Genetics
Classification: Uncertain significance for Inborn genetic diseases. Last evaluated: 2025-08-14. Review status: criteria provided, single submitter. Criteria: Ambry Variant Classification Scheme 2023. Collection method: clinical testing. Allele origin: germline.

Labcorp Genetics (formerly Invitae), Labcorp
Classification: Uncertain significance. Last evaluated: 2022-09-27. Review status: criteria provided, single submitter. Criteria: Invitae Variant Classification Sherloc (09022015). Collection method: clinical testing. Allele origin: germline.
Comment: This sequence change replaces proline, which is neutral and non-polar, with alanine, which is neutral and non-polar, at codon 1102 of the WDR11 protein (p.Pro1102Ala). This variant is present in population databases (rs372488758, gnomAD 0.004%). This variant has not been reported in the literature in individuals affected with WDR11-related conditions. Algorithms developed to predict the effect of missense changes on protein structure and function output the following: SIFT: "Tolerated"; PolyPhen-2: "Benign"; Align-GVGD: "Class C0". The alanine amino acid residue is found in multiple mammalian species, which suggests that this missense change does not adversely affect protein function. In summary, the available evidence is currently insufficient to determine the role of this variant in disease. Therefore, it has been classified as a Variant of Uncertain Significance.

NM_018117.12(WDR11):c.3304C>G (p.Pro1102Ala)

Gene: WDR11 (WD repeat domain 11; plus strand). Cytogenetic location: 10q26.12.
Variant type: single nucleotide variant.
Coding change: c.3304C>G on transcript NM_018117.12 (MANE Select); coding-DNA position 3304, C replaced by G.
Protein change: p.Pro1102Ala; replaces proline 1102 with alanine.
Molecular consequence: missense variant.
Genome position (GRCh38, 1-based): chr10:120,905,888, C>G. VCF-style: chr10-120905888-C-G. GRCh37 (hg19) VCF-style: chr10-122665400-C-G.
Other names: c.3304C>G (NM_018117.11); short protein forms P1102A.
Identifiers: ClinVar variation 1906234 (VCV001906234.6), dbSNP rs372488758, ClinGen allele CA5720296.